The following is an entry in ClinVar:

ClinVar aggregate classification (germline): Uncertain significance (1 of 4 stars; one submission).

gnomAD v4.1: 22 of 1,606,834 alleles (0.0014%); highest among the groups gnomAD compares: Admixed American, 0.015%; no homozygotes.

Submission:

Labcorp Genetics (formerly Invitae), Labcorp
Classification: Uncertain significance. Last evaluated: 2025-12-25. Review status: criteria provided, single submitter. Criteria: Invitae Variant Classification Sherloc (09022015). Collection method: clinical testing. Allele origin: germline.
Comment: This sequence change replaces glycine, which is neutral and non-polar, with serine, which is neutral and polar, at codon 136 of the COL9A3 protein (p.Gly136Ser). This variant is present in population databases (rs145035835, gnomAD 0.02%). This missense change has been observed in individual(s) with COL9A3-related conditions (PMID: 33078831). Invitae Evidence Modeling of protein sequence and biophysical properties (such as structural, functional, and spatial information, amino acid conservation, physicochemical variation, residue mobility, and thermodynamic stability) indicates that this missense variant is expected to disrupt COL9A3 protein function with a positive predictive value of 95%. In summary, the available evidence is currently insufficient to determine the role of this variant in disease. Therefore, it has been classified as a Variant of Uncertain Significance.

Literature cited by the submitters: PubMed 33078831.

NM_001853.4(COL9A3):c.406G>A (p.Gly136Ser)

Gene: COL9A3 (collagen type IX alpha 3 chain; plus strand). Cytogenetic location: 20q13.33.
Variant type: single nucleotide variant.
Coding change: c.406G>A on transcript NM_001853.4 (MANE Select); coding-DNA position 406, G replaced by A.
Protein change: p.Gly136Ser; replaces glycine 136 with serine.
Molecular consequence: missense variant.
Genome position (GRCh38, 1-based): chr20:62,821,793, G>A. VCF-style: chr20-62821793-G-A. GRCh37 (hg19) VCF-style: chr20-61453145-G-A.
Other names: short protein forms G136S.
Identifiers: ClinVar variation 4748422 (VCV004748422.1).